The following is an entry in ClinVar:

NM_000264.5(PTCH1):c.2354C>A (p.Thr785Asn)

Genes: PTCH1 (patched 1; minus strand), LOC100507346 (uncharacterized LOC100507346; plus strand). Cytogenetic location: 9q22.32.
Variant type: single nucleotide variant.
Coding change: c.2354C>A on transcript NM_000264.5 (MANE Select); coding-DNA position 2354, C replaced by A.
Protein change: p.Thr785Asn; replaces threonine 785 with asparagine.
Molecular consequence: missense variant.
Genome position (GRCh38, 1-based): chr9:95,467,322, G>T on the plus strand (C>A on the coding strand, the complement: PTCH1 is on the minus strand). VCF-style: chr9-95467322-G-T. GRCh37 (hg19) VCF-style: chr9-98229604-G-T.
Other names: c.2156C>A, p.Thr719Asn (NM_001083602.3); c.2351C>A, p.Thr784Asn (NM_001083603.3); c.1901C>A, p.Thr634Asn (NM_001083604.3, NM_001083605.3, NM_001083606.3 and 1 more transcripts); c.2198C>A, p.Thr733Asn (NM_001354918.2); short protein forms T784N, T785N, T733N, T634N, T719N.
Identifiers: ClinVar variation 1790053 (VCV001790053.2), dbSNP rs1840099278, ClinGen allele CA374114510.

ClinVar aggregate classification (germline): Uncertain significance (1 of 4 stars; one submission).

Conditions:
Hereditary cancer-predisposing syndrome. Also called: Hereditary Cancer Syndrome; Hereditary neoplastic syndrome; Tumor predisposition; Neoplastic Syndromes, Hereditary. Identifiers: Orphanet 140162, MedGen C0027672, MeSH D009386, MONDO:0015356.

Allele frequency attached by ClinVar (database versions not stated): gnomAD 0.00001.
gnomAD v4.1: 1 of 1,614,066 alleles (0.000062%); highest among the groups gnomAD compares: African/African-American, 0.0013%; no homozygotes.

Submission:

Ambry Genetics
Classification: Uncertain significance for Hereditary cancer-predisposing syndrome. Last evaluated: 2022-06-07. Review status: criteria provided, single submitter. Criteria: Ambry Variant Classification Scheme 2023. Collection method: clinical testing. Allele origin: germline.
Comment: The p.T785N variant (also known as c.2354C>A), located in coding exon 15 of the PTCH1 gene, results from a C to A substitution at nucleotide position 2354. The threonine at codon 785 is replaced by asparagine, an amino acid with similar properties. This amino acid position is conserved. In addition, the in silico prediction for this alteration is inconclusive. Since supporting evidence is limited at this time, the clinical significance of this alteration remains unclear.